The following is an entry in ClinVar:

NM_020975.6(RET):c.1336G>A (p.Gly446Ser)

Gene: RET (ret proto-oncogene; plus strand). Cytogenetic location: 10q11.21.
Variant type: single nucleotide variant.
Coding change: c.1336G>A on transcript NM_020975.6 (MANE Select); coding-DNA position 1336, G replaced by A.
Protein change: p.Gly446Ser; replaces glycine 446 with serine.
Molecular consequence: missense variant. On other transcripts: intron variant (15).
Genome position (GRCh38, 1-based): chr10:43,111,279, G>A. VCF-style: chr10-43111279-G-A. GRCh37 (hg19) VCF-style: chr10-43606727-G-A.
Other names: c.1336G>A, p.Gly446Ser (NM_001406759.1, NM_001406760.1, NM_001406763.1 and 6 more transcripts); c.1207G>A, p.Gly403Ser (NM_001406761.1, NM_001406762.1, NM_001406764.1 and 1 more transcripts); c.1048G>A, p.Gly350Ser (NM_001406766.1, NM_001406767.1, NM_001406770.1); c.940G>A, p.Gly314Ser (NM_001406769.1, NM_001406772.1); c.898G>A, p.Gly300Ser (NM_001406771.1, NM_001406773.1); c.811G>A, p.Gly271Ser (NM_001406774.1); c.610G>A, p.Gly204Ser (NM_001406775.1, NM_001406776.1, NM_001406777.1 and 1 more transcripts); c.626-820G>A (NM_001406779.1, NM_001406781.1, NM_001406787.1 and 3 more transcripts); and 5 more; short protein forms G300S, G403S, G204S, G271S, G116S, G192S, G314S, G350S.
Identifiers: ClinVar variation 2447529 (VCV002447529.4), dbSNP rs115423919, ClinGen allele CA376549061.

ClinVar aggregate classification (germline): Conflicting classifications of pathogenicity. Review status: criteria provided, conflicting classifications (1 of 4 stars). 2 submissions from 2 submitters: Uncertain significance (1); Likely benign (1). Last evaluated 2024-10-29.

Conditions:
Multiple endocrine neoplasia, type 2 (MEN2). Identifiers: Orphanet 653, MedGen C4048306, MONDO:0019003. Disease mechanism: gain of function.
Hereditary cancer-predisposing syndrome. Also called: Neoplastic Syndromes, Hereditary; Hereditary Cancer Syndrome; Tumor predisposition; Hereditary neoplastic syndrome. Identifiers: Orphanet 140162, MedGen C0027672, MeSH D009386, MONDO:0015356.

gnomAD v4.1: 1 of 1,614,172 alleles (0.000062%); highest among the groups gnomAD compares: Non-Finnish European, 0.000085%; no homozygotes.

Submissions (2):

Labcorp Genetics (formerly Invitae), Labcorp
Classification: Uncertain significance for Multiple endocrine neoplasia, type 2. Last evaluated: 2024-10-29. Review status: criteria provided, single submitter. Criteria: Invitae Variant Classification Sherloc (09022015). Collection method: clinical testing. Allele origin: germline.
Comment: This sequence change replaces glycine, which is neutral and non-polar, with serine, which is neutral and polar, at codon 446 of the RET protein (p.Gly446Ser). This variant is not present in population databases (gnomAD no frequency). This variant has not been reported in the literature in individuals affected with RET-related conditions. ClinVar contains an entry for this variant (Variation ID: 2447529). An algorithm developed to predict the effect of missense changes on protein structure and function outputs the following: PolyPhen-2: "Benign". The serine amino acid residue is found in multiple mammalian species, which suggests that this missense change does not adversely affect protein function. In summary, the available evidence is currently insufficient to determine the role of this variant in disease. Therefore, it has been classified as a Variant of Uncertain Significance.

Ambry Genetics
Classification: Likely benign for Hereditary cancer-predisposing syndrome. Last evaluated: 2022-12-09. Review status: criteria provided, single submitter. Criteria: Ambry Variant Classification Scheme 2023. Collection method: clinical testing. Allele origin: germline.